The following is an entry in ClinVar:

NM_001134407.3(GRIN2A):c.2478C>T (p.Ala826=)

Gene: GRIN2A (glutamate ionotropic receptor NMDA type subunit 2A; minus strand). Cytogenetic location: 16p13.2.
Variant type: single nucleotide variant.
Coding change: c.2478C>T on transcript NM_001134407.3 (MANE Select); coding-DNA position 2478, C replaced by T.
Protein change: p.Ala826=; no amino-acid change (alanine 826 retained).
Molecular consequence: synonymous variant.
Genome position (GRCh38, 1-based): chr16:9,768,968, G>A on the plus strand (C>T on the coding strand, the complement: GRIN2A is on the minus strand). VCF-style: chr16-9768968-G-A. GRCh37 (hg19) VCF-style: chr16-9862825-G-A.
Other names: c.2478C>T, p.Ala826= (NM_000833.5, NM_001134408.2).
Identifiers: ClinVar variation 321611 (VCV000321611.16), dbSNP rs373628160, ClinGen allele CA7896503.

ClinVar aggregate classification (germline): Benign/Likely benign. Review status: criteria provided, multiple submitters, no conflicts (2 of 4 stars). 4 submissions from 4 submitters: Benign (3); Likely benign (1). Last evaluated 2025-09-14.

Conditions:
Inborn genetic diseases. Identifiers: MedGen C0950123, MeSH D030342.
Landau-Kleffner syndrome (FESD). Also called: EPILEPSY, FOCAL, WITH SPEECH DISORDER AND WITH OR WITHOUT MENTAL RETARDATION; APHASIA, ACQUIRED, WITH EPILEPSY. Identifiers: Orphanet 1945, Orphanet 725, Orphanet 98818, MedGen C0282512, MONDO:0009509, OMIM 245570.

Allele frequency attached by ClinVar (database versions not stated): gnomAD 0.00003; gnomAD exomes 0.00024; TOPMed 0.00001; ExAC 0.00025.
gnomAD v4.1: 191 of 1,613,946 alleles (0.012%); highest among the groups gnomAD compares: South Asian, 0.14%; 1 homozygote.

Submissions (4):

Labcorp Genetics (formerly Invitae), Labcorp
Classification: Benign for Landau-Kleffner syndrome. Last evaluated: 2025-09-14. Review status: criteria provided, single submitter. Criteria: Invitae Variant Classification Sherloc (09022015). Collection method: clinical testing. Allele origin: germline.

Ambry Genetics
Classification: Benign for Inborn genetic diseases. Last evaluated: 2020-06-24. Review status: criteria provided, single submitter. Criteria: Ambry Variant Classification Scheme 2023. Collection method: clinical testing. Allele origin: germline.

Illumina Laboratory Services, Illumina
Classification: Benign for Landau-Kleffner syndrome. Last evaluated: 2018-01-12. Review status: criteria provided, single submitter. Criteria: ICSL Variant Classification Criteria 13 December 2019. Collection method: clinical testing. Allele origin: germline.
Comment: This variant was observed in the ICSL laboratory as part of a predisposition screen in an ostensibly healthy population. It had not been previously curated by ICSL or reported in the Human Gene Mutation Database (HGMD: prior to June 1st, 2018), and was therefore a candidate for classification through an automated scoring system. Utilizing variant allele frequency, disease prevalence and penetrance estimates, and inheritance mode, an automated score was calculated to assess if this variant is too frequent to cause the disease. Based on the score and internal cut-off values, a variant classified as benign is not then subjected to further curation. The score for this variant resulted in a classification of benign for this disease.

GeneDx
Classification: Likely benign. Last evaluated: 2018-01-02. Review status: criteria provided, single submitter. Criteria: GeneDx Variant Classification (06012015). Collection method: clinical testing. Allele origin: germline. Affected: yes.
Comment: This variant is considered likely benign or benign based on one or more of the following criteria: it is a conservative change, it occurs at a poorly conserved position in the protein, it is predicted to be benign by multiple in silico algorithms, and/or has population frequency not consistent with disease.